The following is an entry in ClinVar:

NM_004287.5(GOSR2):c.28A>G (p.Lys10Glu)

Genes: LRRC37A2 (leucine rich repeat containing 37 member A2), GOSR2 (golgi SNAP receptor complex member 2; plus strand). Cytogenetic location: 17q21.32.
Variant type: single nucleotide variant.
Coding change: c.28A>G on transcript NM_004287.5 (MANE Select); coding-DNA position 28, A replaced by G.
Protein change: p.Lys10Glu; replaces lysine 10 with glutamic acid.
Molecular consequence: missense variant. On other transcripts: 5 prime UTR variant (2), non-coding transcript variant (3).
Genome position (GRCh38, 1-based): chr17:46,923,220, A>G. VCF-style: chr17-46923220-A-G. GRCh37 (hg19) VCF-style: chr17-45000586-A-G.
Other names: c.28A>G, p.Lys10Glu (NM_001012511.3, NM_001321133.2, NM_001330252.2 and 4 more transcripts); c.-75A>G (NM_001321134.2); c.-438A>G (NM_001363851.2); short protein forms K10E.
Identifiers: ClinVar variation 1509741 (VCV001509741.8), dbSNP rs1278419518, ClinGen allele CA400015726.

ClinVar aggregate classification (germline): Uncertain significance (1 of 4 stars; one submission).

Conditions:
Progressive myoclonic epilepsy. Also called: Familial progressive myoclonic epilepsy; Myoclonic Epilepsies, Progressive; Myoclonus epilepsy; Progressive myoclonus epilepsy. Identifiers: Orphanet 308, Orphanet 98261, MedGen C0751778, MONDO:0020074.

Allele frequency attached by ClinVar (database versions not stated): gnomAD exomes below 0.00001 and 0.00001; TOPMed below 0.00001; gnomAD 0.00001.
gnomAD v4.1: 7 of 1,550,750 alleles (0.00045%); highest among the groups gnomAD compares: South Asian, 0.0048%; no homozygotes.

Submission:

Labcorp Genetics (formerly Invitae), Labcorp
Classification: Uncertain significance for Progressive myoclonic epilepsy. Last evaluated: 2022-07-25. Review status: criteria provided, single submitter. Criteria: Invitae Variant Classification Sherloc (09022015). Collection method: clinical testing. Allele origin: germline.
Comment: This sequence change replaces lysine, which is basic and polar, with glutamic acid, which is acidic and polar, at codon 10 of the GOSR2 protein (p.Lys10Glu). This variant is present in population databases (no rsID available, gnomAD 0.004%). This variant has not been reported in the literature in individuals affected with GOSR2-related conditions. ClinVar contains an entry for this variant (Variation ID: 1509741). Algorithms developed to predict the effect of missense changes on protein structure and function are either unavailable or do not agree on the potential impact of this missense change (SIFT: "Tolerated"; PolyPhen-2: "Possibly Damaging"; Align-GVGD: "Class C0"). Algorithms developed to predict the effect of sequence changes on RNA splicing suggest that this variant may disrupt the consensus splice site. In summary, the available evidence is currently insufficient to determine the role of this variant in disease. Therefore, it has been classified as a Variant of Uncertain Significance.